The following is an entry in ClinVar:

NM_020928.2(ZSWIM6):c.1290C>T (p.Gly430=)

Gene: ZSWIM6 (zinc finger SWIM-type containing 6; plus strand). Cytogenetic location: 5q12.1.
Variant type: single nucleotide variant.
Coding change: c.1290C>T on transcript NM_020928.2 (MANE Select); coding-DNA position 1290, C replaced by T.
Protein change: p.Gly430=; no amino-acid change (glycine 430 retained).
Molecular consequence: synonymous variant.
Genome position (GRCh38, 1-based): chr5:61,494,367, C>T. VCF-style: chr5-61494367-C-T. GRCh37 (hg19) VCF-style: chr5-60790194-C-T.
Identifiers: ClinVar variation 2745723 (VCV002745723.3), dbSNP rs2479069269, ClinGen allele CA444556632.

ClinVar aggregate classification (germline): Uncertain significance (1 of 4 stars; one submission).

Submission:

Labcorp Genetics (formerly Invitae), Labcorp
Classification: Uncertain significance. Last evaluated: 2023-11-27. Review status: criteria provided, single submitter. Criteria: Invitae Variant Classification Sherloc (09022015). Collection method: clinical testing. Allele origin: germline.
Comment: This sequence change affects codon 430 of the ZSWIM6 mRNA. It is a 'silent' change, meaning that it does not change the encoded amino acid sequence of the ZSWIM6 protein. This variant is not present in population databases (gnomAD no frequency). This variant has not been reported in the literature in individuals affected with ZSWIM6-related conditions. Algorithms developed to predict the effect of sequence changes on RNA splicing suggest that this variant may create or strengthen a splice site. In summary, the available evidence is currently insufficient to determine the role of this variant in disease. Therefore, it has been classified as a Variant of Uncertain Significance.